The following is an entry in ClinVar:

ClinVar aggregate classification (germline): Uncertain significance (1 of 4 stars; one submission).

Submission:

CeGaT Center for Human Genetics Tuebingen
Classification: Uncertain significance. Last evaluated: 2026-09-01. Review status: criteria provided, single submitter. Criteria: CeGaT Center For Human Genetics Tuebingen Variant Classification Criteria Version 2. Collection method: clinical testing. Allele origin: germline. Affected: yes. Observed: 1 variant allele.
Comment: AGO2: PM2, PM1:Supporting, PP2

NM_012154.5(AGO2):c.1676C>A (p.Thr559Asn)

Gene: AGO2 (argonaute RISC catalytic component 2; minus strand). Cytogenetic location: 8q24.3.
Variant type: single nucleotide variant.
Coding change: c.1676C>A on transcript NM_012154.5 (MANE Select); coding-DNA position 1676, C replaced by A.
Protein change: p.Thr559Asn; replaces threonine 559 with asparagine.
Molecular consequence: missense variant.
Genome position (GRCh38, 1-based): chr8:140,547,540, G>T on the plus strand (C>A on the coding strand, the complement: AGO2 is on the minus strand). VCF-style: chr8-140547540-G-T. GRCh37 (hg19) VCF-style: chr8-141557639-G-T.
Other names: c.1676C>A, p.Thr559Asn (NM_001164623.3); short protein forms T559N.
Identifiers: ClinVar variation 5041661 (VCV005041661.1).